The following is an entry in ClinVar:

NM_002485.5(NBN):c.40G>C (p.Glu14Gln)

Gene: NBN (nibrin; minus strand). Cytogenetic location: 8q21.3.
Variant type: single nucleotide variant.
Coding change: c.40G>C on transcript NM_002485.5 (MANE Select); coding-DNA position 40, G replaced by C.
Protein change: p.Glu14Gln; replaces glutamic acid 14 with glutamine.
Molecular consequence: missense variant. On other transcripts: 5 prime UTR variant (1).
Genome position (GRCh38, 1-based): chr8:89,982,853, C>G on the plus strand (G>C on the coding strand, the complement: NBN is on the minus strand). VCF-style: chr8-89982853-C-G. GRCh37 (hg19) VCF-style: chr8-90995081-C-G.
Other names: c.-257G>C (NM_001024688.3); short protein forms E14Q.
Identifiers: ClinVar variation 2812564 (VCV002812564.3), dbSNP rs745439506, ClinGen allele CA371663738.

ClinVar aggregate classification (germline): Uncertain significance (1 of 4 stars; one submission).

Conditions:
Microcephaly, normal intelligence and immunodeficiency (NBS). Also called: BERLIN BREAKAGE SYNDROME; Ataxia telangiectasia variant V1; Immunodeficiency, microcephaly with normal intelligence; IMMUNODEFICIENCY, MICROCEPHALY, AND CHROMOSOMAL INSTABILITY; SEEMANOVA SYNDROME II; Nijmegen breakage syndrome. Identifiers: Orphanet 647, MedGen C0398791, MONDO:0009623, OMIM 251260.

Submission:

Labcorp Genetics (formerly Invitae), Labcorp
Classification: Uncertain significance for Microcephaly, normal intelligence and immunodeficiency. Last evaluated: 2022-11-07. Review status: criteria provided, single submitter. Criteria: Invitae Variant Classification Sherloc (09022015). Collection method: clinical testing. Allele origin: germline.
Comment: This variant is not present in population databases (gnomAD no frequency). This variant has not been reported in the literature in individuals affected with NBN-related conditions. Algorithms developed to predict the effect of missense changes on protein structure and function (SIFT, PolyPhen-2, Align-GVGD) all suggest that this variant is likely to be tolerated. In summary, the available evidence is currently insufficient to determine the role of this variant in disease. Therefore, it has been classified as a Variant of Uncertain Significance. This sequence change replaces glutamic acid, which is acidic and polar, with glutamine, which is neutral and polar, at codon 14 of the NBN protein (p.Glu14Gln).